The following is an entry in ClinVar:

ClinVar aggregate classification (germline): Conflicting classifications of pathogenicity. Review status: criteria provided, conflicting classifications (1 of 4 stars). 2 submissions from 2 submitters: Uncertain significance (1); Benign (1). Last evaluated 2026-06-16.

gnomAD v4.1: 9 of 1,209,040 alleles (0.00074%); highest among the groups gnomAD compares: East Asian, 0.027%; no homozygotes.

Submissions (2):

Women's Health and Genetics/Laboratory Corporation of America, LabCorp
Classification: Uncertain significance. Last evaluated: 2026-06-16. Review status: criteria provided, single submitter. Criteria: LabCorp Variant Classification Summary - May 2015. Collection method: clinical testing. Allele origin: germline.
Comment: Variant summary: DDX3X c.48T>C (p.Phe16Phe) alters a conserved nucleotide located close to a canonical splice site and therefore could affect mRNA splicing, leading to a significantly altered protein sequence. Consensus agreement among computation tools predict no significant impact on normal splicing. However, these predictions have yet to be confirmed by functional studies. The variant allele was found at a frequency of 3.3e-05 in 179538 control chromosomes. The available data on variant occurrences in the general population are insufficient to allow any conclusion about variant significance. To our knowledge, no occurrence of c.48T>C in individuals affected with DDX3X-related conditions and no experimental evidence demonstrating its impact on protein function have been reported. ClinVar contains an entry for this variant (Variation ID: 4691675). Based on the evidence outlined above, the variant was classified as uncertain significance.

Labcorp Genetics (formerly Invitae), Labcorp
Classification: Benign. Last evaluated: 2025-05-05. Review status: criteria provided, single submitter. Criteria: Invitae Variant Classification Sherloc (09022015). Collection method: clinical testing. Allele origin: germline.

NM_001356.5(DDX3X):c.48T>C (p.Phe16=)

Gene: DDX3X (DEAD-box helicase 3 X-linked; plus strand). Cytogenetic location: Xp11.4.
Variant type: single nucleotide variant.
Coding change: c.48T>C on transcript NM_001356.5 (MANE Select); coding-DNA position 48, T replaced by C.
Protein change: p.Phe16=; no amino-acid change (phenylalanine 16 retained).
Molecular consequence: synonymous variant. On other transcripts: 5 prime UTR variant (1), non-coding transcript variant (2).
Genome position (GRCh38, 1-based): chrX:41,337,410, T>C. VCF-style: chrX-41337410-T-C. GRCh37 (hg19) VCF-style: chrX-41196663-T-C.
Other names: c.48T>C, p.Phe16= (NM_001193416.3, NM_001193417.3); c.-1856T>C (NM_001363819.1).
Identifiers: ClinVar variation 4691675 (VCV004691675.2).